The following is an entry in ClinVar:

NM_004655.4(AXIN2):c.1313T>C (p.Ile438Thr)

Gene: AXIN2 (axin 2; minus strand). Cytogenetic location: 17q24.1.
Variant type: single nucleotide variant.
Coding change: c.1313T>C on transcript NM_004655.4 (MANE Select); coding-DNA position 1313, T replaced by C.
Protein change: p.Ile438Thr; replaces isoleucine 438 with threonine.
Molecular consequence: missense variant.
Genome position (GRCh38, 1-based): chr17:65,537,723, A>G on the plus strand (T>C on the coding strand, the complement: AXIN2 is on the minus strand). VCF-style: chr17-65537723-A-G. GRCh37 (hg19) VCF-style: chr17-63533841-A-G.
Other names: c.1313T>C, p.Ile438Thr (NM_001363813.1); short protein forms I438T.
Identifiers: ClinVar variation 3224360 (VCV003224360.1), dbSNP rs2509416925, ClinGen allele CA400677755.
Genomic context (GRCh38, chr17:65,537,723, plus strand): 5'-CCTACGCCTGGAGACTGGCAGCCAGGGGTCTTGAGGACCCTGGACAGGTGATCGTCCAGT[A>G]TCGTCTGCGGGTCTTCCTCGTAGCTGCCGGAGGGCAGTAGGGAGAGGGGGTGCTGCGTGG-3'
Protein context (NP_004646.3, residues 428-448): SGSYEEDPQT[Ile438Thr]LDDHLSRVLK

ClinVar aggregate classification (germline): Uncertain significance (1 of 4 stars; one submission).

Conditions:
Hereditary cancer-predisposing syndrome. Also called: Tumor predisposition; Hereditary neoplastic syndrome; Hereditary Cancer Syndrome; Neoplastic Syndromes, Hereditary. Identifiers: Orphanet 140162, MedGen C0027672, MeSH D009386, MONDO:0015356.

Allele frequency attached by ClinVar (database versions not stated): gnomAD exomes below 0.00001.
gnomAD v4.1: 1 of 1,561,970 alleles (0.000064%); highest among the groups gnomAD compares: Non-Finnish European, 0.000087%; no homozygotes.

Submission:

Ambry Genetics
Classification: Uncertain significance for Hereditary cancer-predisposing syndrome. Last evaluated: 2023-10-05. Review status: criteria provided, single submitter. Criteria: Ambry Variant Classification Scheme 2023. Collection method: clinical testing. Allele origin: germline.
Comment: The p.I438T variant (also known as c.1313T>C), located in coding exon 5 of the AXIN2 gene, results from a T to C substitution at nucleotide position 1313. The isoleucine at codon 438 is replaced by threonine, an amino acid with similar properties. This amino acid position is conserved. In addition, this alteration is predicted to be deleterious by in silico analysis. Since supporting evidence is limited at this time, the clinical significance of this alteration remains unclear.